The following is an entry in ClinVar:

NM_001111125.3(IQSEC2):c.4351C>T (p.Pro1451Ser)

Gene: IQSEC2 (IQ motif and Sec7 domain ArfGEF 2; minus strand). Cytogenetic location: Xp11.22.
Variant type: single nucleotide variant.
Coding change: c.4351C>T on transcript NM_001111125.3 (MANE Select); coding-DNA position 4351, C replaced by T.
Protein change: p.Pro1451Ser; replaces proline 1451 with serine.
Molecular consequence: missense variant. On other transcripts: 3 prime UTR variant (4), intron variant (2).
Genome position (GRCh38, 1-based): chrX:53,234,335, G>A on the plus strand (C>T on the coding strand, the complement: IQSEC2 is on the minus strand). VCF-style: chrX-53234335-G-A. GRCh37 (hg19) VCF-style: chrX-53263517-G-A.
Other names: c.*836C>T (NM_001410736.1, NM_001441093.1, NM_001441094.1 and 1 more transcripts); c.3451+1987C>T (NM_001441092.1); c.2740+1987C>T (NM_001441095.1); short protein forms P1451S.
Identifiers: ClinVar variation 4801010 (VCV004801010.1).

ClinVar aggregate classification (germline): Uncertain significance (1 of 4 stars; one submission).

Conditions:
Intellectual developmental disorder, X-linked 1. Also called: Atkin Flaitz Patil Smith syndrome; MENTAL RETARDATION, X-LINKED 18; MENTAL RETARDATION, X-LINKED 78; Intellectual disability, X-linked 1. Identifiers: Orphanet 777, MedGen C2931498, MONDO:0010656, OMIM 309530.

Submission:

Labcorp Genetics (formerly Invitae), Labcorp
Classification: Uncertain significance for Intellectual developmental disorder, X-linked 1. Last evaluated: 2025-03-30. Review status: criteria provided, single submitter. Criteria: Invitae Variant Classification Sherloc (09022015). Collection method: clinical testing. Allele origin: germline.
Comment: This sequence change replaces proline, which is neutral and non-polar, with serine, which is neutral and polar, at codon 1451 of the IQSEC2 protein (p.Pro1451Ser). The frequency data for this variant in the population databases is considered unreliable, as metrics indicate insufficient coverage at this position in the gnomAD database. This variant has not been reported in the literature in individuals affected with IQSEC2-related conditions. Invitae Evidence Modeling of protein sequence and biophysical properties (such as structural, functional, and spatial information, amino acid conservation, physicochemical variation, residue mobility, and thermodynamic stability) has been performed for this missense variant. However, the output from this modeling did not meet the statistical confidence thresholds required to predict the impact of this variant on IQSEC2 protein function. In summary, the available evidence is currently insufficient to determine the role of this variant in disease. Therefore, it has been classified as a Variant of Uncertain Significance.